The following is an entry in ClinVar:

ClinVar aggregate classification (germline): Conflicting classifications of pathogenicity. Review status: criteria provided, conflicting classifications (1 of 4 stars). 5 submissions from 5 submitters: Likely pathogenic (4); Uncertain significance (1). Last evaluated 2026-08-06.

Conditions:
Familial thyroid dyshormonogenesis. Identifiers: Orphanet 95716, MedGen C4273748, MONDO:0010132.
Thyroid dyshormonogenesis 6 (TDH6). Also called: Genetic transient congenital hypothyroidism; THYROID HORMONOGENESIS, GENETIC DEFECT IN, 6; HYPOTHYROIDISM, CONGENITAL, DUE TO DYSHORMONOGENESIS, 6. Identifiers: Orphanet 226316, Orphanet 95716, MedGen C1846632, MONDO:0011792, OMIM 607200.

Allele frequency attached by ClinVar (database versions not stated): gnomAD 0.00003; TOPMed 0.00004; ExAC 0.00012; gnomAD exomes 0.00007 and 0.00006.
gnomAD v4.1: 110 of 1,613,978 alleles (0.0068%); highest among the groups gnomAD compares: Non-Finnish European, 0.0089%; no homozygotes.

Submissions (5):

OLLIN Analises Genomicas, OLLIN
Classification: Likely pathogenic for Thyroid dyshormonogenesis 6. Last evaluated: 2026-08-06. Review status: criteria provided, single submitter. Criteria: ACMG Guidelines 2015 PMID 25741868. Collection method: clinical testing. Allele origin: germline. Inheritance: Autosomal recessive inheritance.
Comment: This variant, located at the canonical splicing site (splice donor), has been reported in ClinVar (accession VCV000189228.13) and in gnomAD with an allele frequency of 0.0068%. However, to our knowledge, it has not been reported in the scientific literature. This variant is predicted to disrupt a canonical splice site, potentially leading to exon skipping, mRNA degradation via nonsense-mediated decay (NMD), or production of a truncated protein. According to the currently available evidence, this variant has been classified as likely pathogenic (PVS1, PM2_P).

GeneDx
Classification: Uncertain significance. Last evaluated: 2026-07-06. Review status: criteria provided, single submitter. Criteria: GeneDx Variant Classification Process June 2021. Collection method: clinical testing. Allele origin: germline.
Comment: Canonical splice site variant predicted to result in a null allele in a gene for which loss of function is a known mechanism of disease; Reported in published literature in association with congenital hypothyroidism (PMID: 34200080); This variant is associated with the following publications: (PMID: 33651715, 26990548, Di Natale_2021_abstract, 34200080, Frankovich_2026_Preprint)

Labcorp Genetics (formerly Invitae), Labcorp
Classification: Likely pathogenic. Last evaluated: 2025-11-19. Review status: criteria provided, single submitter. Criteria: Invitae Variant Classification Sherloc (09022015). Collection method: clinical testing. Allele origin: germline.
Comment: This sequence change affects a donor splice site in intron 29 of the DUOX2 gene. It is expected to disrupt RNA splicing. Variants that disrupt the donor or acceptor splice site typically lead to a loss of protein function (PMID: 16199547), and loss-of-function variants in DUOX2 are known to be pathogenic (PMID: 12110737, 18765513, 21565790, 24423310, 24735383). This variant is present in population databases (rs199752932, gnomAD 0.01%). This variant has not been reported in the literature in individuals affected with DUOX2-related conditions. ClinVar contains an entry for this variant (Variation ID: 189228). Algorithms developed to predict the effect of sequence changes on RNA splicing suggest that this variant may disrupt the consensus splice site. In summary, the currently available evidence indicates that the variant is pathogenic, but additional data are needed to prove that conclusively. Therefore, this variant has been classified as Likely Pathogenic.

Fulgent Genetics
Classification: Likely pathogenic for Thyroid dyshormonogenesis 6. Last evaluated: 2024-02-28. Review status: criteria provided, single submitter. Criteria: ACMG Guidelines, 2015. Collection method: clinical testing. Allele origin: germline.

Laboratory for Molecular Medicine, Mass General Brigham Personalized Medicine
Classification: Likely pathogenic for Familial thyroid dyshormonogenesis. Last evaluated: 2016-11-11. Review status: criteria provided, single submitter. Criteria: ACMG Guidelines, 2015. Collection method: clinical testing. Allele origin: germline. Inheritance: Autosomal recessive inheritance. Study: CSER-MedSeq.
Comment: The c.3847+2T>C variant in DUOX2 has not been previously reported in the literature. This variant occurs in the invariant region (+/- 1,2) of the splice consensus sequence and is predicted to cause altered splicing leading to an abnormal or absent protein. In summary, although additional studies are required to fully establish its clinical significance, the c.3847+2T>C variant is likely pathogenic for hypothyroidism in an autosomal recessive manner.

Literature cited by the submitters: PubMed 16199547 (cited by Labcorp Genetics (formerly Invitae), Labcorp); PubMed 12110737 (cited by Labcorp Genetics (formerly Invitae), Labcorp); PubMed 18765513 (cited by Labcorp Genetics (formerly Invitae), Labcorp); PubMed 21565790 (cited by Labcorp Genetics (formerly Invitae), Labcorp); PubMed 24423310 (cited by Labcorp Genetics (formerly Invitae), Labcorp); PubMed 24735383 (cited by Labcorp Genetics (formerly Invitae), Labcorp).

NM_001363711.2(DUOX2):c.3847+2T>C

Gene: DUOX2 (dual oxidase 2; minus strand). Cytogenetic location: 15q21.1.
Variant type: single nucleotide variant.
Coding change: c.3847+2T>C on transcript NM_001363711.2 (MANE Select); the canonical splice donor site of the intron after coding-DNA position 3847, T replaced by C.
Molecular consequence: splice donor variant.
Genome position (GRCh38, 1-based): chr15:45,097,236, A>G on the plus strand (T>C on the coding strand, the complement: DUOX2 is on the minus strand). VCF-style: chr15-45097236-A-G. GRCh37 (hg19) VCF-style: chr15-45389434-A-G.
Other names: c.3847+2T>C (NM_014080.5).
Identifiers: ClinVar variation 189228 (VCV000189228.15), dbSNP rs199752932, ClinGen allele CA199160.